The following is an entry in ClinVar:

ClinVar aggregate classification (germline): Benign/Likely benign. Review status: criteria provided, multiple submitters, no conflicts (2 of 4 stars). 4 submissions from 2 submitters: Benign (2); Likely benign (2). Last evaluated 2024-09-05.

Conditions:
Glucocorticoid-remediable aldosteronism. Also called: Hyperaldosteronism, familial, type I; ACTH-DEPENDENT HYPERALDOSTERONISM SYNDROME; ALDOSTERONISM, SENSITIVE TO DEXAMETHASONE; FH I; GLUCOCORTICOID-SUPPRESSIBLE HYPERALDOSTERONISM. Identifiers: Orphanet 403, MedGen C3838731, MONDO:0007080, OMIM 103900.
Corticosterone methyloxidase type 2 deficiency. Also called: 18-OXIDASE DEFICIENCY; ALDOSTERONE DEFICIENCY DUE TO DEFICIENCY OF STEROID 18-OXIDASE; ALDOSTERONE DEFICIENCY II; CMO II DEFICIENCY; STEROID 18-OXIDASE DEFICIENCY. Identifiers: Orphanet 427, MedGen C3463917, MONDO:0012524, OMIM 610600. Disease mechanism: loss of function.
Corticosterone 18-monooxygenase deficiency. Also called: ALDOSTERONE DEFICIENCY DUE TO DEFECT IN STEROID 18-HYDROXYLASE; ALDOSTERONE DEFICIENCY I; CMO I DEFICIENCY; STEROID 18-HYDROXYLASE DEFICIENCY; 18 Hydroxylase deficiency; Aldosterone deficiency due to defect in 18 hydroxylase. Identifiers: Orphanet 427, MedGen C0268293, MONDO:0008751, OMIM 203400. Disease mechanism: loss of function.

Allele frequency attached by ClinVar (database versions not stated): gnomAD 0.00018 and 0.00026; gnomAD exomes 0.00026 and 0.00057; TOPMed 0.00029; ExAC 0.00061; 1000 Genomes Project 30x 0.00125; 1000 Genomes Project 0.00140.

Submissions (4):

Labcorp Genetics (formerly Invitae), Labcorp
Classification: Benign. Last evaluated: 2024-09-05. Review status: criteria provided, single submitter. Criteria: Invitae Variant Classification Sherloc (09022015). Collection method: clinical testing. Allele origin: germline.

Illumina Laboratory Services, Illumina
Classification: Likely benign for Corticosterone methyloxidase type 2 deficiency. Last evaluated: 2018-01-13. Review status: criteria provided, single submitter. Criteria: ICSL Variant Classification Criteria 13 December 2019. Collection method: clinical testing. Allele origin: germline.
Comment: This variant was observed in the ICSL laboratory as part of a predisposition screen in an ostensibly healthy population. It had not been previously curated by ICSL or reported in the Human Gene Mutation Database (HGMD: prior to June 1st, 2018), and was therefore a candidate for classification through an automated scoring system. Utilizing variant allele frequency, disease prevalence and penetrance estimates, and inheritance mode, an automated score was calculated to assess if this variant is too frequent to cause the disease. Based on the score and internal cut-off values, a variant classified as likely benign is not then subjected to further curation. The score for this variant resulted in a classification of likely benign for this disease.

Illumina Laboratory Services, Illumina
Classification: Likely benign for Corticosterone 18-monooxygenase deficiency. Last evaluated: 2018-01-13. Review status: criteria provided, single submitter. Criteria: ICSL Variant Classification Criteria 13 December 2019. Collection method: clinical testing. Allele origin: germline.
Comment: the same text as in the submission from Illumina Laboratory Services, Illumina above.

Illumina Laboratory Services, Illumina
Classification: Benign for Hyperaldosteronism, familial, type I. Last evaluated: 2018-01-13. Review status: criteria provided, single submitter. Criteria: ICSL Variant Classification Criteria 13 December 2019. Collection method: clinical testing. Allele origin: germline.
Comment: This variant was observed in the ICSL laboratory as part of a predisposition screen in an ostensibly healthy population. It had not been previously curated by ICSL or reported in the Human Gene Mutation Database (HGMD: prior to June 1st, 2018), and was therefore a candidate for classification through an automated scoring system. Utilizing variant allele frequency, disease prevalence and penetrance estimates, and inheritance mode, an automated score was calculated to assess if this variant is too frequent to cause the disease. Based on the score and internal cut-off values, a variant classified as benign is not then subjected to further curation. The score for this variant resulted in a classification of benign for this disease.

NM_000498.3(CYP11B2):c.640C>G (p.His214Asp)

Genes: CYP11B2 (cytochrome P450 family 11 subfamily B member 2; minus strand), LOC106799834 (CYP11B2 recombination region; plus strand). Cytogenetic location: 8q24.3.
Variant type: single nucleotide variant.
Coding change: c.640C>G on transcript NM_000498.3 (MANE Select); coding-DNA position 640, C replaced by G.
Protein change: p.His214Asp; replaces histidine 214 with aspartic acid.
Molecular consequence: missense variant.
Genome position (GRCh38, 1-based): chr8:142,914,864, G>C on the plus strand (C>G on the coding strand, the complement: CYP11B2 is on the minus strand). VCF-style: chr8-142914864-G-C. GRCh37 (hg19) VCF-style: chr8-143996280-G-C.
Other names: short protein forms H214D.
Identifiers: ClinVar variation 362214 (VCV000362214.15), dbSNP rs551933154, ClinGen allele CA4906129.